The following is an entry in ClinVar:

ClinVar aggregate classification (germline): Uncertain significance (1 of 4 stars; one submission).

Conditions:
Severe combined immunodeficiency due to DNA-PKcs deficiency. Also called: IMMUNODEFICIENCY 26 WITH NEUROLOGIC ABNORMALITIES; Immunodeficiency 26 with or without neurologic abnormalities. Identifiers: Orphanet 317425, MedGen C4014833, MONDO:0014423, OMIM 615966.

Submission:

Labcorp Genetics (formerly Invitae), Labcorp
Classification: Uncertain significance for Severe combined immunodeficiency due to DNA-PKcs deficiency. Last evaluated: 2022-05-16. Review status: criteria provided, single submitter. Criteria: Invitae Variant Classification Sherloc (09022015). Collection method: clinical testing. Allele origin: germline.
Comment: A copy number gain of the genomic region encompassing the full coding sequence of the PRKDC gene has been identified. The boundaries of this event are unknown as they extend beyond the assayed region for this gene and therefore may encompass additional genes. As the precise location of this event is unknown, it may be in tandem or it may be located elsewhere in the genome. This variant has not been reported in the literature in individuals affected with PRKDC-related conditions. In summary, the available evidence is currently insufficient to determine the role of this variant in disease. Therefore, it has been classified as a Variant of Uncertain Significance.

NC_000008.10:g.(?_48686714)_(48872706_?)dup

Gene: PRKDC (protein kinase, DNA-activated, catalytic subunit; minus strand). Cytogenetic location: 8q11.21.
Variant type: Duplication.
Identifiers: ClinVar variation 646388 (VCV000646388.6).